The following is an entry in ClinVar:

NC_000012.12:g.120291737T>C

Gene: RNU4-2 (RNA, U4 small nuclear 2; minus strand). Cytogenetic location: 12q24.23.
Variant type: single nucleotide variant.
Genome position: GRCh38 VCF-style: chr12-120291737-T-C. GRCh37 (hg19) VCF-style: chr12-120729540-T-C.
Identifiers: ClinVar variation 4822654 (VCV004822654.4).
Genomic context (GRCh38, chr12:120,291,737, plus strand): 5'-TCATAACTTATCAAACCAAACATAAGACACAACCTGCTATAATACAACTTCCTAAAACCC[T>C]TTTCTTTAGACTTTTAAAAATTCAGTCTCCGTAGAGACTGTCAAAAATTGCCAATGCCGA-3'

ClinVar aggregate classification (germline): Likely benign (1 of 4 stars; one submission).

Submission:

CeGaT Center for Human Genetics Tuebingen
Classification: Likely benign. Last evaluated: 2026-02-01. Review status: criteria provided, single submitter. Criteria: CeGaT Center For Human Genetics Tuebingen Variant Classification Criteria Version 2. Collection method: clinical testing. Allele origin: germline. Affected: yes. Observed: 1 variant allele.
Comment: RNU4-2: BS2